The following is an entry in ClinVar:

ClinVar aggregate classification (germline): Uncertain significance. Review status: criteria provided, multiple submitters, no conflicts (2 of 4 stars). 2 submissions from 2 submitters: Uncertain significance (2). Last evaluated 2025-12-28.

Conditions:
Familial thoracic aortic aneurysm and aortic dissection (TAAD). Also called: Thoracic aortic aneurysms and dissections. Identifiers: Orphanet 91387, MedGen C4707243, MONDO:0019625.
FG syndrome (FGS). Identifiers: MedGen C0220769, MONDO:0002010.

Allele frequency attached by ClinVar (database versions not stated): gnomAD exomes 0.00001.
gnomAD v4.1: 7 of 1,162,550 alleles (0.0006%); highest among the groups gnomAD compares: Non-Finnish European, 0.00081%; no homozygotes.

Submissions (2):

Labcorp Genetics (formerly Invitae), Labcorp
Classification: Uncertain significance for FG syndrome. Last evaluated: 2025-12-28. Review status: criteria provided, single submitter. Criteria: Invitae Variant Classification Sherloc (09022015). Collection method: clinical testing. Allele origin: germline.
Comment: This sequence change replaces glutamine, which is neutral and polar, with arginine, which is basic and polar, at codon 1548 of the MED12 protein (p.Gln1548Arg). The frequency data for this variant in the population databases is considered unreliable, as metrics indicate poor data quality at this position in the gnomAD database. This variant has not been reported in the literature in individuals affected with MED12-related conditions. ClinVar contains an entry for this variant (Variation ID: 2565284). Invitae Evidence Modeling of protein sequence and biophysical properties (such as structural, functional, and spatial information, amino acid conservation, physicochemical variation, residue mobility, and thermodynamic stability) has been performed for this missense variant. However, the output from this modeling did not meet the statistical confidence thresholds required to predict the impact of this variant on MED12 protein function. In summary, the available evidence is currently insufficient to determine the role of this variant in disease. Therefore, it has been classified as a Variant of Uncertain Significance.

Ambry Genetics
Classification: Uncertain significance for Familial thoracic aortic aneurysm and aortic dissection. Last evaluated: 2023-05-21. Review status: criteria provided, single submitter. Criteria: Ambry Variant Classification Scheme 2023. Collection method: clinical testing. Allele origin: germline.
Comment: The p.Q1548R variant (also known as c.4643A>G), located in coding exon 34 of the MED12 gene, results from an A to G substitution at nucleotide position 4643. The glutamine at codon 1548 is replaced by arginine, an amino acid with highly similar properties. Based on data from gnomAD, the G allele has an overall frequency of 0.0008% (1/120760) total alleles studied, with 1 hemizygote(s) observed. The highest observed frequency was 0.0021% (1/48682) of European (non-Finnish) alleles. This amino acid position is conserved. In addition, the in silico prediction for this alteration is inconclusive. Since supporting evidence is limited at this time, the clinical significance of this alteration remains unclear.

NM_005120.3(MED12):c.4643A>G (p.Gln1548Arg)

Gene: MED12 (mediator complex subunit 12; plus strand). Cytogenetic location: Xq13.1.
Variant type: single nucleotide variant.
Coding change: c.4643A>G on transcript NM_005120.3 (MANE Select); coding-DNA position 4643, A replaced by G.
Protein change: p.Gln1548Arg; replaces glutamine 1548 with arginine.
Molecular consequence: missense variant.
Genome position (GRCh38, 1-based): chrX:71,134,382, A>G. VCF-style: chrX-71134382-A-G. GRCh37 (hg19) VCF-style: chrX-70354232-A-G.
Other names: short protein forms Q1548R.
Identifiers: ClinVar variation 2565284 (VCV002565284.3), dbSNP rs1414395723, ClinGen allele CA413531392.